The following is an entry in ClinVar:

NM_004429.5(EFNB1):c.155_159delinsCAAG (p.Ile52fs)

Gene: EFNB1 (ephrin B1; plus strand). Cytogenetic location: Xq13.1.
Variant type: Indel.
Coding change: c.155_159delinsCAAG on transcript NM_004429.5 (MANE Select); coding-DNA positions 155 to 159, TCTAT replaced by CAAG.
Protein change: p.Ile52fs; shifts the reading frame from isoleucine 52.
Molecular consequence: frameshift variant.
Genome position (GRCh38, 1-based): chrX:68,838,643-68,838,647, TCTAT replaced by CAAG. VCF-style: chrX-68838643-TCTAT-CAAG. GRCh37 (hg19) VCF-style: chrX-68058486-TCTAT-CAAG.
Other names: short protein forms I52fs.
Identifiers: ClinVar variation 965702 (VCV000965702.5), dbSNP rs2080468475, ClinGen allele CA1139667616.

ClinVar aggregate classification (germline): Pathogenic (1 of 4 stars; one submission).

Submission:

Labcorp Genetics (formerly Invitae), Labcorp
Classification: Pathogenic. Last evaluated: 2019-09-14. Review status: criteria provided, single submitter. Criteria: Invitae Variant Classification Sherloc (09022015). Collection method: clinical testing. Allele origin: germline.
Comment: This sequence change creates a premature translational stop signal (p.Ile52Thrfs*107) in the EFNB1 gene. It is expected to result in an absent or disrupted protein product. For these reasons, this variant has been classified as Pathogenic. Loss-of-function variants in EFNB1 are known to be pathogenic (PMID: 15959873, 16685650). This variant has not been reported in the literature in individuals with EFNB1-related conditions. This variant is not present in population databases (ExAC no frequency).

Literature cited by the submitters: PubMed 15959873; PubMed 16685650.